The following is an entry in ClinVar:

ClinVar aggregate classification (germline): Uncertain significance. Review status: criteria provided, multiple submitters, no conflicts (2 of 4 stars). 3 submissions from 3 submitters: Uncertain significance (3). Last evaluated 2024-07-11.

Conditions:
Alstrom syndrome (ALMS). Identifiers: Orphanet 64, MedGen C0268425, MONDO:0008763, OMIM 203800.
Cardiovascular phenotype. Identifiers: MedGen CN230736.

Allele frequency attached by ClinVar (database versions not stated): 1000 Genomes Project 30x 0.00016; 1000 Genomes Project 0.00020.
gnomAD v4.1: 30 of 1,612,594 alleles (0.0019%); highest among the groups gnomAD compares: African/African-American, 0.013%; no homozygotes.

Submissions (3):

GeneDx
Classification: Uncertain significance. Last evaluated: 2024-07-11. Review status: criteria provided, single submitter. Criteria: GeneDx Variant Classification Process June 2021. Collection method: clinical testing. Allele origin: germline.
Comment: Not observed at significant frequency in large population cohorts (gnomAD); In silico analysis indicates that this missense variant does not alter protein structure/function; Has not been previously published as pathogenic or benign to our knowledge

Labcorp Genetics (formerly Invitae), Labcorp
Classification: Uncertain significance for Alstrom syndrome. Last evaluated: 2024-07-09. Review status: criteria provided, single submitter. Criteria: Invitae Variant Classification Sherloc (09022015). Collection method: clinical testing. Allele origin: germline.
Comment: This sequence change replaces serine, which is neutral and polar, with leucine, which is neutral and non-polar, at codon 452 of the ALMS1 protein (p.Ser452Leu). This variant is present in population databases (rs540547127, gnomAD 0.01%). This variant has not been reported in the literature in individuals affected with ALMS1-related conditions. ClinVar contains an entry for this variant (Variation ID: 1770684). Experimental studies and prediction algorithms are not available or were not evaluated, and the functional significance of this variant is currently unknown. In summary, the available evidence is currently insufficient to determine the role of this variant in disease. Therefore, it has been classified as a Variant of Uncertain Significance.

Ambry Genetics
Classification: Uncertain significance for Cardiovascular phenotype. Last evaluated: 2023-04-05. Review status: criteria provided, single submitter. Criteria: Ambry Variant Classification Scheme 2023. Collection method: clinical testing. Allele origin: germline.
Comment: The p.S452L variant (also known as c.1355C>T), located in coding exon 7 of the ALMS1 gene, results from a C to T substitution at nucleotide position 1355. The serine at codon 452 is replaced by leucine, an amino acid with dissimilar properties. This amino acid position is not well conserved in available vertebrate species. In addition, this alteration is predicted to be tolerated by in silico analysis. Since supporting evidence is limited at this time, the clinical significance of this alteration remains unclear.

NM_001378454.1(ALMS1):c.1352C>T (p.Ser451Leu)

Gene: ALMS1 (ALMS1 centrosome and basal body associated protein; plus strand). Cytogenetic location: 2p13.1.
Variant type: single nucleotide variant.
Coding change: c.1352C>T on transcript NM_001378454.1 (MANE Select); coding-DNA position 1352, C replaced by T.
Protein change: p.Ser451Leu; replaces serine 451 with leucine.
Molecular consequence: missense variant.
Genome position (GRCh38, 1-based): chr2:73,432,211, C>T. VCF-style: chr2-73432211-C-T. GRCh37 (hg19) VCF-style: chr2-73659339-C-T.
Other names: c.1355C>T, p.Ser452Leu (NM_015120.4); short protein forms S452L, S451L.
Identifiers: ClinVar variation 1770684 (VCV001770684.8), dbSNP rs540547127, ClinGen allele CA1713133.